The following is an entry in ClinVar:

NM_001394062.1(MACF1):c.20719C>G (p.Gln6907Glu)

Gene: MACF1 (microtubule actin crosslinking factor 1; plus strand). Cytogenetic location: 1p34.3.
Variant type: single nucleotide variant.
Coding change: c.20719C>G on transcript NM_001394062.1 (MANE Select); coding-DNA position 20719, C replaced by G.
Protein change: p.Gln6907Glu; replaces glutamine 6907 with glutamic acid.
Molecular consequence: missense variant.
Genome position (GRCh38, 1-based): chr1:39,452,789, C>G. VCF-style: chr1-39452789-C-G. GRCh37 (hg19) VCF-style: chr1-39918461-C-G.
Other names: c.8797C>G, p.Gln2933Glu (NM_001397473.1); c.14542C>G, p.Gln4848Glu (NM_012090.5); short protein forms Q2933E, Q4848E, Q6907E.
Identifiers: ClinVar variation 2500600 (VCV002500600.2), dbSNP rs2523265843, ClinGen allele CA339762847.

ClinVar aggregate classification (germline): Uncertain significance (1 of 4 stars; one submission).

Submission:

GeneDx
Classification: Uncertain significance. Last evaluated: 2024-12-27. Review status: criteria provided, single submitter. Criteria: GeneDx Variant Classification Process June 2021. Collection method: clinical testing. Allele origin: germline.
Comment: Not observed at significant frequency in large population cohorts (gnomAD); In silico analysis supports that this missense variant does not alter protein structure/function; Has not been previously published as pathogenic or benign to our knowledge